The following is an entry in ClinVar:

NC_012920.1(MT-CO3):m.9804G>T

Gene: MT-CO3 (mitochondrially encoded cytochrome c oxidase III; plus strand).
Variant type: single nucleotide variant.
Genome position: chrM-9804-G-T.
Identifiers: ClinVar variation 693230 (VCV000693230.1), dbSNP rs200613617, ClinGen allele CA414803749.

ClinVar aggregate classification (germline): Uncertain significance (1 of 4 stars; one submission).

Conditions:
Leigh syndrome (NULS). Also called: Leigh's necrotizing encephalopathy; Leigh's disease; Leigh Syndrome (mtDNA deletion); Leigh Disease; Subacute necrotizing encephalopathy; Necrotizing encephalopathy infantile subacute of Leigh. Identifiers: Orphanet 506, MedGen C2931891, MONDO:0009723, OMIM 256000.

Submission:

Wong Mito Lab, Molecular and Human Genetics, Baylor College of Medicine
Classification: Uncertain significance for Leigh syndrome. Last evaluated: 2019-10-17. Review status: criteria provided, single submitter. Criteria: Modified ACMG Guidelines (Unpublished). Collection method: clinical testing. Allele origin: germline.
Comment: The NC_012920.1:m.9804G>T (YP_003024032.1:p.Ala200Ser) variant in MTCO3 gene is interpretated to be a Uncertain Significance variant based on the modified ACMG guidelines (unpublished). This variant meets the following evidence codes: BP4